The following is an entry in ClinVar:

NM_014425.5(INVS):c.914T>G (p.Val305Gly)

Gene: INVS (inversin; plus strand). Cytogenetic location: 9q31.1.
Variant type: single nucleotide variant.
Coding change: c.914T>G on transcript NM_014425.5 (MANE Select); coding-DNA position 914, T replaced by G.
Protein change: p.Val305Gly; replaces valine 305 with glycine.
Molecular consequence: missense variant. On other transcripts: 5 prime UTR variant (1), non-coding transcript variant (1).
Genome position (GRCh38, 1-based): chr9:100,246,623, T>G. VCF-style: chr9-100246623-T-G. GRCh37 (hg19) VCF-style: chr9-103008905-T-G.
Other names: c.626T>G, p.Val209Gly (NM_001318381.2); c.-65T>G (NM_001318382.2); short protein forms V305G, V209G.
Identifiers: ClinVar variation 2043785 (VCV002043785.1), dbSNP rs2491256854, ClinGen allele CA374363396.

ClinVar aggregate classification (germline): Uncertain significance (1 of 4 stars; one submission).

Conditions:
Nephronophthisis. Also called: Juvenile Nephronophthisis. Identifiers: Orphanet 655, MedGen C0687120, MONDO:0019005, HP:0000090.

gnomAD v4.1: 1 of 1,613,278 alleles (0.000062%); highest among the groups gnomAD compares: Non-Finnish European, 0.000085%; no homozygotes.

Submission:

Labcorp Genetics (formerly Invitae), Labcorp
Classification: Uncertain significance for Nephronophthisis. Last evaluated: 2022-08-20. Review status: criteria provided, single submitter. Criteria: Invitae Variant Classification Sherloc (09022015). Collection method: clinical testing. Allele origin: germline.
Comment: This sequence change replaces valine, which is neutral and non-polar, with glycine, which is neutral and non-polar, at codon 305 of the INVS protein (p.Val305Gly). This variant is not present in population databases (gnomAD no frequency). This variant has not been reported in the literature in individuals affected with INVS-related conditions. Algorithms developed to predict the effect of missense changes on protein structure and function (SIFT, PolyPhen-2, Align-GVGD) all suggest that this variant is likely to be disruptive. In summary, the available evidence is currently insufficient to determine the role of this variant in disease. Therefore, it has been classified as a Variant of Uncertain Significance.